The following is an entry in ClinVar:

NM_002890.3(RASA1):c.241C>G (p.Leu81Val)

Gene: RASA1 (RAS p21 protein activator 1; plus strand). Cytogenetic location: 5q14.3.
Variant type: single nucleotide variant.
Coding change: c.241C>G on transcript NM_002890.3 (MANE Select); coding-DNA position 241, C replaced by G.
Protein change: p.Leu81Val; replaces leucine 81 with valine.
Molecular consequence: missense variant.
Genome position (GRCh38, 1-based): chr5:87,268,692, C>G. VCF-style: chr5-87268692-C-G. GRCh37 (hg19) VCF-style: chr5-86564509-C-G.
Other names: short protein forms L81V.
Identifiers: ClinVar variation 1010983 (VCV001010983.10), dbSNP rs773960170, ClinGen allele CA3335356.
Genomic context (GRCh38, chr5:87,268,692, plus strand): 5'-CTGGGTGGCGGAGCCGCTTTGGGGTCAGAGTTCCTAGGAGCCGGGTCTGTGGCAGGGGCA[C>G]TGGGGGGAGCTGGACTGACAGGGGGAGGTACTGCTGCTGGCGTAGCTGGTGCTGCTGCTG-3'
Protein context (NP_002881.1, residues 71-91): FLGAGSVAGA[Leu81Val]GGAGLTGGGT

ClinVar aggregate classification (germline): Uncertain significance. Review status: criteria provided, multiple submitters, no conflicts (2 of 4 stars). 2 submissions from 2 submitters: Uncertain significance (2). Last evaluated 2024-01-25.

Conditions:
Capillary malformation-arteriovenous malformation syndrome. Also called: Capillary malformation-arteriovenous malformation. Identifiers: Orphanet 137667, MedGen C1842180, MONDO:0012016.
Cardiovascular phenotype. Identifiers: MedGen CN230736.

Allele frequency attached by ClinVar (database versions not stated): gnomAD exomes below 0.00001; ExAC 0.00001.
gnomAD v4.1: 1 of 1,611,566 alleles (0.000062%); highest among the groups gnomAD compares: Non-Finnish European, 0.000085%; no homozygotes.

Submissions (2):

Labcorp Genetics (formerly Invitae), Labcorp
Classification: Uncertain significance for Capillary malformation-arteriovenous malformation syndrome. Last evaluated: 2024-01-25. Review status: criteria provided, single submitter. Criteria: Invitae Variant Classification Sherloc (09022015). Collection method: clinical testing. Allele origin: germline.
Comment: This sequence change replaces leucine, which is neutral and non-polar, with valine, which is neutral and non-polar, at codon 81 of the RASA1 protein (p.Leu81Val). This variant is not present in population databases (gnomAD no frequency). This variant has not been reported in the literature in individuals affected with RASA1-related conditions. ClinVar contains an entry for this variant (Variation ID: 1010983). An algorithm developed to predict the effect of missense changes on protein structure and function (PolyPhen-2) suggests that this variant is likely to be tolerated. In summary, the available evidence is currently insufficient to determine the role of this variant in disease. Therefore, it has been classified as a Variant of Uncertain Significance.

Ambry Genetics
Classification: Uncertain significance for Cardiovascular phenotype. Last evaluated: 2023-03-24. Review status: criteria provided, single submitter. Criteria: Ambry Variant Classification Scheme 2023. Collection method: clinical testing. Allele origin: germline.
Comment: The p.L81V variant (also known as c.241C>G), located in coding exon 1 of the RASA1 gene, results from a C to G substitution at nucleotide position 241. The leucine at codon 81 is replaced by valine, an amino acid with highly similar properties. This amino acid position is conserved. In addition, this alteration is predicted to be tolerated by in silico analysis. Since supporting evidence is limited at this time, the clinical significance of this alteration remains unclear.